The following is an entry in ClinVar:

NM_003242.6(TGFBR2):c.578G>A (p.Arg193Gln)

Gene: TGFBR2 (transforming growth factor beta receptor 2; plus strand). Cytogenetic location: 3p24.1.
Variant type: single nucleotide variant.
Coding change: c.578G>A on transcript NM_003242.6 (MANE Select); coding-DNA position 578, G replaced by A.
Protein change: p.Arg193Gln; replaces arginine 193 with glutamine.
Molecular consequence: missense variant.
Genome position (GRCh38, 1-based): chr3:30,671,761, G>A. VCF-style: chr3-30671761-G-A. GRCh37 (hg19) VCF-style: chr3-30713253-G-A.
Other names: c.653G>A, p.Arg218Gln (NM_001024847.3); c.761G>A, p.Arg254Gln (NM_001407126.1); c.686G>A, p.Arg229Gln (NM_001407127.1); c.605G>A, p.Arg202Gln (NM_001407128.1); c.581G>A, p.Arg194Gln (NM_001407129.1); c.578G>A, p.Arg193Gln (NM_001407130.1); c.473G>A, p.Arg158Gln (NM_001407132.1, NM_001407133.1, NM_001407134.1 and 2 more transcripts); c.293G>A, p.Arg98Gln (NM_001407137.1); and 1 more; short protein forms R218Q, R193Q, R229Q, R254Q, R202Q, R73Q, R98Q, R158Q.
Identifiers: ClinVar variation 918793 (VCV000918793.9), dbSNP rs748437880, ClinGen allele CA049340.
Genomic context (GRCh38, chr3:30,671,761, plus strand): 5'-TGCCACCACTGGGAGTTGCCATATCTGTCATCATCATCTTCTACTGCTACCGCGTTAACC[G>A]GCAGCAGAAGCTGAGTTCAACCTGGGAAACCGGCAAGACGCGGAAGCTCATGGAGTTCAG-3'
Protein context (NP_003233.4, residues 183-203): IIIFYCYRVN[Arg193Gln]QQKLSSTWET

ClinVar aggregate classification (germline): Uncertain significance. Review status: criteria provided, multiple submitters, no conflicts (2 of 4 stars). 3 submissions from 3 submitters: Uncertain significance (3). Last evaluated 2025-10-09.

Conditions:
Loeys-Dietz syndrome 2 (LDS2). Also called: TGFBR2-Related Loeys-Dietz Syndrome; AORTIC ANEURYSM, FAMILIAL THORACIC 3; MARFAN SYNDROME, TYPE II; Marfan Syndrome type 2; Marfan like connective tissue disorder; MFS 2. Identifiers: Orphanet 284973, Orphanet 558, MedGen C2674574, MONDO:0012427, OMIM 610168.
Familial thoracic aortic aneurysm and aortic dissection (TAAD). Also called: Thoracic aortic aneurysms and dissections. Identifiers: Orphanet 91387, MedGen C4707243, MONDO:0019625.

Allele frequency attached by ClinVar (database versions not stated): ExAC 0.00001; gnomAD 0.00001 and 0.00002; gnomAD exomes 0.00001 and 0.00002; TOPMed 0.00003.
gnomAD v4.1: 24 of 1,614,034 alleles (0.0015%); highest among the groups gnomAD compares: South Asian, 0.0088%; no homozygotes.

Submissions (3):

Labcorp Genetics (formerly Invitae), Labcorp
Classification: Uncertain significance for Familial thoracic aortic aneurysm and aortic dissection. Last evaluated: 2025-10-09. Review status: criteria provided, single submitter. Criteria: Invitae Variant Classification Sherloc (09022015). Collection method: clinical testing. Allele origin: germline.
Comment: This sequence change replaces arginine, which is basic and polar, with glutamine, which is neutral and polar, at codon 193 of the TGFBR2 protein (p.Arg193Gln). This variant is present in population databases (rs748437880, gnomAD 0.006%). This missense change has been observed in individual(s) with TGFBR2-related conditions (PMID: 31915033; internal data). ClinVar contains an entry for this variant (Variation ID: 918793). Invitae Evidence Modeling of protein sequence and biophysical properties (such as structural, functional, and spatial information, amino acid conservation, physicochemical variation, residue mobility, and thermodynamic stability) indicates that this missense variant is not expected to disrupt TGFBR2 protein function with a negative predictive value of 95%. In summary, the available evidence is currently insufficient to determine the role of this variant in disease. Therefore, it has been classified as a Variant of Uncertain Significance.

All of Us Research Program, National Institutes of Health
Classification: Uncertain significance for Loeys-Dietz syndrome 2. Last evaluated: 2024-01-11. Review status: criteria provided, single submitter. Criteria: ACMG Guidelines, 2015. Collection method: clinical testing. Allele origin: germline. Inheritance: Autosomal dominant inheritance. Observed: 2 variant alleles, 2 heterozygotes.
Comment: This missense variant replaces arginine with glutamine at codon 218 of the TGFBR2 protein. Computational prediction tool suggests that this variant may not impact protein structure and function (internally defined REVEL score threshold <=0.5, PMID: 27666373). Splice site prediction tools suggest that this variant may not impact RNA splicing. To our knowledge, functional studies have not been performed for this variant. This variant has not been reported in individuals affected with cardiovascular disorders in the literature. This variant has been identified in 5/251190 chromosomes in the general population by the Genome Aggregation Database (gnomAD). The available evidence is insufficient to determine the role of this variant in disease conclusively. Therefore, this variant is classified as a Variant of Uncertain Significance.

This study involves interpretation of variants in research participants for the purpose of population health screening. Participant phenotype was not available at the time of variant classification. Additional details can be found in publication PMID: 35346344, PMCID: PMC8962531

Color Diagnostics, LLC DBA Color Health
Classification: Uncertain significance for Familial thoracic aortic aneurysm and aortic dissection. Last evaluated: 2019-09-13. Review status: criteria provided, single submitter. Criteria: ACMG Guidelines, 2015. Collection method: clinical testing. Allele origin: germline.
Comment: This missense variant replaces arginine with glutamine at codon 218 of the TGFBR2 protein. Computational prediction tool suggests that this variant may not impact protein structure and function (internally defined REVEL score threshold ≤0.5, PMID: 27666373). Splice site prediction tools suggest that this variant may not impact RNA splicing. To our knowledge, functional studies have not been performed for this variant. This variant has not been reported in individuals affected with cardiovascular disorders in the literature. This variant has been identified in 5/251190 chromosomes in the general population by the Genome Aggregation Database (gnomAD). The available evidence is insufficient to determine the role of this variant in disease conclusively. Therefore, this variant is classified as a Variant of Uncertain Significance.

Literature cited by the submitters: PubMed 31915033 (cited by Labcorp Genetics (formerly Invitae), Labcorp).